The following is an entry in ClinVar:

NM_199420.4(POLQ):c.7217A>C (p.Glu2406Ala)

Gene: POLQ (DNA polymerase theta; minus strand). Cytogenetic location: 3q13.33.
Variant type: single nucleotide variant.
Coding change: c.7217A>C on transcript NM_199420.4 (MANE Select); coding-DNA position 7217, A replaced by C.
Protein change: p.Glu2406Ala; replaces glutamic acid 2406 with alanine.
Molecular consequence: missense variant.
Genome position (GRCh38, 1-based): chr3:121,449,362, T>G on the plus strand (A>C on the coding strand, the complement: POLQ is on the minus strand). VCF-style: chr3-121449362-T-G. GRCh37 (hg19) VCF-style: chr3-121168209-T-G.
Other names: short protein forms E2406A.
Identifiers: ClinVar variation 1757743 (VCV001757743.2), dbSNP rs2546755988, ClinGen allele CA354102385.
Genomic context (GRCh38, chr3:121,449,362, plus strand): 5'-GAAGATAAATTACCTGTGTATCTGGATTTGAAGGAGTCAATATAGCATGCAGCATCATTT[T>G]CTTTAATGCCCATCTGCTCTCCCAAAGATTTAGCTCCCATTCCATAAATGATCCCATAGC-3'
Protein context (NP_955452.3, residues 2396-2416): KSLGEQMGIK[Glu2406Ala]NDAACYIDSF

ClinVar aggregate classification (germline): Uncertain significance (1 of 4 stars; one submission).

Submission:

Ambry Genetics
Classification: Uncertain significance. Last evaluated: 2021-06-23. Review status: criteria provided, single submitter. Criteria: Ambry Variant Classification Scheme 2023. Collection method: clinical testing. Allele origin: germline.
Comment: The p.E2406A variant (also known as c.7217A>C), located in coding exon 26 of the POLQ gene, results from an A to C substitution at nucleotide position 7217. The glutamic acid at codon 2406 is replaced by alanine, an amino acid with dissimilar properties. This amino acid position is conserved. In addition, the in silico prediction for this alteration is inconclusive. Since supporting evidence is limited at this time, the clinical significance of this alteration remains unclear.